The following is an entry in ClinVar:

ClinVar aggregate classification (germline): Conflicting classifications of pathogenicity. Review status: criteria provided, conflicting classifications (1 of 4 stars). 4 submissions from 4 submitters: Uncertain significance (1); Likely benign (2). 1 of the submissions does not count toward it. Last evaluated 2025-12-30.

Conditions:
BBS1-related disorder. Also called: BBS1-related condition.
Bardet-Biedl syndrome (BBS). Identifiers: Orphanet 110, MedGen C0752166, MONDO:0015229.

Allele frequency attached by ClinVar (database versions not stated): gnomAD 0.00005 and 0.00006; TOPMed 0.00005; gnomAD exomes 0.00003 and 0.00007; ExAC 0.00003.
gnomAD v4.1: 105 of 1,613,984 alleles (0.0065%); highest among the groups gnomAD compares: Non-Finnish European, 0.008%; no homozygotes.

Submissions (4):

Labcorp Genetics (formerly Invitae), Labcorp
Classification: Likely benign for Bardet-Biedl syndrome. Last evaluated: 2025-12-30. Review status: criteria provided, single submitter. Criteria: Invitae Variant Classification Sherloc (09022015). Collection method: clinical testing. Allele origin: germline.

Blueprint Genetics
Classification: Likely benign. Last evaluated: 2024-09-10. Review status: criteria provided, single submitter. Criteria: ACMG Guidelines, 2015. Collection method: clinical testing. Allele origin: germline.

Eurofins Ntd Llc (ga)
Classification: Uncertain significance. Last evaluated: 2017-05-02. Review status: criteria provided, single submitter. Criteria: EGL Classification Definitions 2015. Collection method: clinical testing. Allele origin: germline. Observed: 1 variant allele, 1 heterozygote.

PreventionGenetics, part of Exact Sciences
Classification: Likely benign for BBS1-related condition. Last evaluated: 2019-09-14. Review status: no assertion criteria provided. Collection method: clinical testing. Allele origin: germline. Not counted in ClinVar's aggregate classification.
Comment: This variant is classified as likely benign based on ACMG/AMP sequence variant interpretation guidelines (Richards et al. 2015 PMID: 25741868, with internal and published modifications).

NM_024649.5(BBS1):c.858C>T (p.Ile286=)

Genes: BBS1 (Bardet-Biedl syndrome 1; plus strand), ZDHHC24 (zDHHC palmitoyltransferase 24; minus strand). Cytogenetic location: 11q13.2.
Variant type: single nucleotide variant.
Coding change: c.858C>T on transcript NM_024649.5 (MANE Select); coding-DNA position 858, C replaced by T.
Protein change: p.Ile286=; no amino-acid change (isoleucine 286 retained).
Molecular consequence: synonymous variant. On other transcripts: intron variant (1).
Genome position (GRCh38, 1-based): chr11:66,523,483, C>T. VCF-style: chr11-66523483-C-T. GRCh37 (hg19) VCF-style: chr11-66290954-C-T.
Other names: c.*22-2017G>A (NM_001348571.2).
Identifiers: ClinVar variation 501683 (VCV000501683.17), dbSNP rs746775716, ClinGen allele CA6123536.